The following is an entry in ClinVar:

ClinVar aggregate classification (germline): Uncertain significance. Review status: criteria provided, multiple submitters, no conflicts (2 of 4 stars). 3 submissions from 3 submitters: Uncertain significance (3). Last evaluated 2026-01-12.

Conditions:
Brugada syndrome 8 (BRGDA8). Identifiers: Orphanet 130, MedGen C2751083, MONDO:0013148, OMIM 613123.
Cardiovascular phenotype. Identifiers: MedGen CN230736.

Allele frequency attached by ClinVar (database versions not stated): gnomAD 0.00002 and 0.00006; TOPMed 0.00004; gnomAD exomes 0.00013; ExAC 0.00020.
gnomAD v4.1: 53 of 1,406,640 alleles (0.0038%); highest among the groups gnomAD compares: South Asian, 0.017%; no homozygotes.

Submissions (3):

Labcorp Genetics (formerly Invitae), Labcorp
Classification: Uncertain significance for Brugada syndrome 8. Last evaluated: 2026-01-12. Review status: criteria provided, single submitter. Criteria: Invitae Variant Classification Sherloc (09022015). Collection method: clinical testing. Allele origin: germline.
Comment: This sequence change replaces arginine, which is basic and polar, with glutamine, which is neutral and polar, at codon 1044 of the HCN4 protein (p.Arg1044Gln). This variant is present in population databases (rs750637152, gnomAD 0.05%). This missense change has been observed in individual(s) with clinical features of HCN4-related conditions (PMID: 30578647). ClinVar contains an entry for this variant (Variation ID: 198825). Invitae Evidence Modeling of protein sequence and biophysical properties (such as structural, functional, and spatial information, amino acid conservation, physicochemical variation, residue mobility, and thermodynamic stability) indicates that this missense variant is not expected to disrupt HCN4 protein function with a negative predictive value of 95%. Experimental studies have shown that this missense change does not substantially affect HCN4 function (PMID: 30578647). In summary, the available evidence is currently insufficient to determine the role of this variant in disease. Therefore, it has been classified as a Variant of Uncertain Significance.

Ambry Genetics
Classification: Uncertain significance for Cardiovascular phenotype. Last evaluated: 2025-08-30. Review status: criteria provided, single submitter. Criteria: Ambry Variant Classification Scheme 2023. Collection method: clinical testing. Allele origin: germline.
Comment: The p.R1044Q variant (also known as c.3131G>A), located in coding exon 8 of the HCN4 gene, results from a G to A substitution at nucleotide position 3131. The arginine at codon 1044 is replaced by glutamine, an amino acid with highly similar properties. This amino acid position is not well conserved in available vertebrate species, and glutamine is the reference amino acid in other vertebrate species. In addition, this alteration is predicted to be tolerated by in silico analysis. Since supporting evidence is limited at this time, the clinical significance of this alteration remains unclear.

Eurofins Ntd Llc (ga)
Classification: Uncertain significance. Last evaluated: 2014-09-01. Review status: criteria provided, single submitter. Criteria: EGL Classification Definitions 2015. Collection method: clinical testing. Allele origin: germline. Observed: 2 variant alleles, 2 heterozygotes.

Literature cited by the submitters: PubMed 30578647 (cited by Labcorp Genetics (formerly Invitae), Labcorp).

NM_005477.3(HCN4):c.3131G>A (p.Arg1044Gln)

Gene: HCN4 (hyperpolarization activated cyclic nucleotide gated potassium channel 4; minus strand). Cytogenetic location: 15q24.1.
Variant type: single nucleotide variant.
Coding change: c.3131G>A on transcript NM_005477.3 (MANE Select); coding-DNA position 3131, G replaced by A.
Protein change: p.Arg1044Gln; replaces arginine 1044 with glutamine.
Molecular consequence: missense variant.
Genome position (GRCh38, 1-based): chr15:73,322,962, C>T on the plus strand (G>A on the coding strand, the complement: HCN4 is on the minus strand). VCF-style: chr15-73322962-C-T. GRCh37 (hg19) VCF-style: chr15-73615303-C-T.
Other names: short protein forms R1044Q.
Identifiers: ClinVar variation 198825 (VCV000198825.29), dbSNP rs750637152, ClinGen allele CA247663.